The following is an entry in ClinVar:

NM_014679.5(CEP57):c.803A>C (p.Glu268Ala)

Gene: CEP57 (centrosomal protein 57; plus strand). Cytogenetic location: 11q21.
Variant type: single nucleotide variant.
Coding change: c.803A>C on transcript NM_014679.5 (MANE Select); coding-DNA position 803, A replaced by C.
Protein change: p.Glu268Ala; replaces glutamic acid 268 with alanine.
Molecular consequence: missense variant. On other transcripts: intron variant (5).
Genome position (GRCh38, 1-based): chr11:95,821,974, A>C. VCF-style: chr11-95821974-A-C. GRCh37 (hg19) VCF-style: chr11-95555138-A-C.
Other names: c.699+3070A>C (NM_001440874.1); c.583-525A>C (NM_001440879.1); c.582+3070A>C (NM_001440882.1); c.619-525A>C (NM_001440875.1); c.776A>C, p.Glu259Ala (NM_001243776.2); c.803A>C, p.Glu268Ala (NM_001243777.2); c.722A>C, p.Glu241Ala (NM_001363604.2, NM_001440869.1, NM_001440870.1); c.686A>C, p.Glu229Ala (NM_001440872.1, NM_001440876.1); and 5 more; short protein forms E169A, E181A, E202A, E208A, E229A, E241A, E259A, E268A.
Identifiers: ClinVar variation 4613629 (VCV004613629.1).
Genomic context (GRCh38, chr11:95,821,974, plus strand): 5'-AGGCAACTCCGTGTGTTCCCAATGCAAGAAGAATTAAAAAAAAGAAGTCAAAACCACCAG[A>C]AAAGGTGTGAAGACAGAACCAAATCAGGCAAAATGCTGATTACTTGGTATAGTTTATGTC-3'
Protein context (NP_055494.2, residues 258-278): RIKKKKSKPP[Glu268Ala]KKSSRNYFGA

ClinVar aggregate classification (germline): Uncertain significance (1 of 4 stars; one submission).

Conditions:
Inborn genetic diseases. Identifiers: MedGen C0950123, MeSH D030342.

Submission:

Ambry Genetics
Classification: Uncertain significance for Inborn genetic diseases. Last evaluated: 2025-11-08. Review status: criteria provided, single submitter. Criteria: Ambry Variant Classification Scheme 2023. Collection method: clinical testing. Allele origin: germline.
Comment: The p.E268A variant (also known as c.803A>C), located in coding exon 7 of the CEP57 gene, results from an A to C substitution at nucleotide position 803. The glutamic acid at codon 268 is replaced by alanine, an amino acid with dissimilar properties. This amino acid position is conserved. In addition, this alteration is predicted to be tolerated by in silico analysis. Based on the available evidence, the clinical significance of this variant remains unclear.